The following is an entry in ClinVar:

NM_003114.5(SPAG1):c.413T>C (p.Leu138Pro)

Gene: SPAG1 (sperm associated antigen 1; plus strand). Cytogenetic location: 8q22.2.
Variant type: single nucleotide variant.
Coding change: c.413T>C on transcript NM_003114.5 (MANE Select); coding-DNA position 413, T replaced by C.
Protein change: p.Leu138Pro; replaces leucine 138 with proline.
Molecular consequence: missense variant.
Genome position (GRCh38, 1-based): chr8:100,177,928, T>C. VCF-style: chr8-100177928-T-C. GRCh37 (hg19) VCF-style: chr8-101190156-T-C.
Other names: c.413T>C, p.Leu138Pro (NM_001374321.1, NM_172218.3); short protein forms L138P.
Identifiers: ClinVar variation 541535 (VCV000541535.18), dbSNP rs141605537, ClinGen allele CA4827241.

ClinVar aggregate classification (germline): Conflicting classifications of pathogenicity. Review status: criteria provided, conflicting classifications (1 of 4 stars). 4 submissions from 4 submitters: Uncertain significance (1); Benign (1); Likely benign (1). 1 of the submissions does not count toward it. Last evaluated 2026-01-25.

Conditions:
Primary ciliary dyskinesia. Also called: Ciliary dyskinesia. Identifiers: Orphanet 244, MedGen C0008780, MONDO:0016575, HP:0012265.
SPAG1-related disorder. Also called: SPAG1-related condition.
Primary ciliary dyskinesia 28. Also called: CILIARY DYSKINESIA, PRIMARY, 28, WITH OR WITHOUT SITUS INVERSUS. Identifiers: Orphanet 244, MedGen C3809706, MONDO:0014216, OMIM 615505.

Allele frequency attached by ClinVar (database versions not stated): gnomAD exomes 0.00011 and 0.00027; 1000 Genomes Project 30x 0.00031; ExAC 0.00032; 1000 Genomes Project 0.00040; gnomAD 0.00084 and 0.00093; TOPMed 0.00103; ESP Exome Variant Server 0.00108.
gnomAD v4.1: 298 of 1,612,570 alleles (0.018%); highest among the groups gnomAD compares: African/African-American, 0.28%; 1 homozygote.

Submissions (4):

Labcorp Genetics (formerly Invitae), Labcorp
Classification: Likely benign for Primary ciliary dyskinesia 28. Last evaluated: 2026-01-25. Review status: criteria provided, single submitter. Criteria: Invitae Variant Classification Sherloc (09022015). Collection method: clinical testing. Allele origin: germline.

Baylor Genetics
Classification: Uncertain significance for Primary ciliary dyskinesia 28. Last evaluated: 2018-05-11. Review status: criteria provided, single submitter. Criteria: ACMG Guidelines, 2015. Collection method: clinical testing. Allele origin: unknown. Affected: yes.
Comment: This variant was determined to be of uncertain significance according to ACMG Guidelines, 2015 [PMID:25741868].

Ambry Genetics
Classification: Benign for Primary ciliary dyskinesia. Last evaluated: 2017-05-15. Review status: criteria provided, single submitter. Criteria: Ambry Variant Classification Scheme 2023. Collection method: clinical testing. Allele origin: germline.

PreventionGenetics, part of Exact Sciences
Classification: Likely benign for SPAG1-related condition. Last evaluated: 2023-03-10. Review status: no assertion criteria provided. Collection method: clinical testing. Allele origin: germline. Not counted in ClinVar's aggregate classification.
Comment: This variant is classified as likely benign based on ACMG/AMP sequence variant interpretation guidelines (Richards et al. 2015 PMID: 25741868, with internal and published modifications).